The following is an entry in ClinVar:

NM_000346.4(SOX9):c.431+10G>A

Genes: SOX9 (SRY-box transcription factor 9; plus strand), LOC108021846 (SOX9 promoter region; plus strand). Cytogenetic location: 17q24.3.
Variant type: single nucleotide variant.
Coding change: c.431+10G>A on transcript NM_000346.4 (MANE Select); 10 bases into the intron after coding-DNA position 431, G replaced by A.
Molecular consequence: intron variant.
Genome position (GRCh38, 1-based): chr17:72,121,832, G>A. VCF-style: chr17-72121832-G-A. GRCh37 (hg19) VCF-style: chr17-70117973-G-A.
Identifiers: ClinVar variation 3047323 (VCV003047323.2), dbSNP rs1290533393, ClinGen allele CA2273925410.

ClinVar aggregate classification (germline): Likely benign (0 of 4 stars; one submission).

Conditions:
SOX9-related disorder. Also called: SOX9-related condition.

Allele frequency attached by ClinVar (database versions not stated): TOPMed below 0.00001.
gnomAD v4.1: 2 of 1,548,448 alleles (0.00013%); highest among the groups gnomAD compares: Non-Finnish European, 0.00017%; no homozygotes.

Submission:

PreventionGenetics, part of Exact Sciences
Classification: Likely benign for SOX9-related condition. Last evaluated: 2024-01-17. Review status: no assertion criteria provided. Collection method: clinical testing. Allele origin: germline.
Comment: This variant is classified as likely benign based on ACMG/AMP sequence variant interpretation guidelines (Richards et al. 2015 PMID: 25741868, with internal and published modifications).